The following is an entry in ClinVar:

ClinVar aggregate classification (germline): Uncertain significance (1 of 4 stars; one submission).

Conditions:
Ghosal hematodiaphyseal dysplasia. Also called: Ghosal hematodiaphyseal syndrome. Identifiers: Orphanet 1802, MedGen C1856465, MONDO:0009274, OMIM 231095.

Submission:

Daryl Scott Lab, Baylor College of Medicine
Classification: Uncertain significance for Ghosal hematodiaphyseal dysplasia. Review status: criteria provided, single submitter. Criteria: ACMG Guidelines, 2015. Collection method: clinical testing. Allele origin: maternal. Affected: yes. Observed: 1 compound heterozygote.
Comment: PM2, PP3

NM_001061.7(TBXAS1):c.1420G>T (p.Ala474Ser)

Gene: TBXAS1 (thromboxane A synthase 1; plus strand). Cytogenetic location: 7q34.
Variant type: single nucleotide variant.
Coding change: c.1420G>T on transcript NM_001061.7 (MANE Select); coding-DNA position 1420, G replaced by T.
Protein change: p.Ala474Ser; replaces alanine 474 with serine.
Molecular consequence: missense variant. On other transcripts: intron variant (1).
Genome position (GRCh38, 1-based): chr7:140,017,726, G>T. VCF-style: chr7-140017726-G-T. GRCh37 (hg19) VCF-style: chr7-139717526-G-T.
Other names: c.1420G>T, p.Ala474Ser (NM_001130966.5); c.1558G>T, p.Ala520Ser (NM_001166253.4); c.1219G>T, p.Ala407Ser (NM_001166254.4); c.1363G>T, p.Ala455Ser (NM_001314028.4); c.1237G>T, p.Ala413Ser (NM_001366537.3); c.1364+1866G>T (NM_030984.6); short protein forms A407S, A413S, A455S, A474S, A475S, A520S, A521S.
Identifiers: ClinVar variation 4279664 (VCV004279664.1).